The following is an entry in ClinVar:

ClinVar aggregate classification (germline): Likely benign (1 of 4 stars; one submission).

gnomAD v4.1: 27 of 1,613,344 alleles (0.0017%); highest among the groups gnomAD compares: Middle Eastern, 0.016%; no homozygotes.

Submission:

CeGaT Center for Human Genetics Tuebingen
Classification: Likely benign. Last evaluated: 2024-07-01. Review status: criteria provided, single submitter. Criteria: CeGaT Center For Human Genetics Tuebingen Variant Classification Criteria Version 2. Collection method: clinical testing. Allele origin: germline. Affected: yes. Observed: 1 variant allele.
Comment: MAPK8IP3: BP4, BP7

NM_001318852.2(MAPK8IP3):c.3171C>T (p.Tyr1057=)

Gene: MAPK8IP3 (mitogen-activated protein kinase 8 interacting protein 3; plus strand). Cytogenetic location: 16p13.3.
Variant type: single nucleotide variant.
Coding change: c.3171C>T on transcript NM_001318852.2 (MANE Select); coding-DNA position 3171, C replaced by T.
Protein change: p.Tyr1057=; no amino-acid change (tyrosine 1057 retained).
Molecular consequence: synonymous variant.
Genome position (GRCh38, 1-based): chr16:1,767,231, C>T. VCF-style: chr16-1767231-C-T. GRCh37 (hg19) VCF-style: chr16-1817232-C-T.
Other names: c.3150C>T, p.Tyr1050= (NM_001040439.2); c.3168C>T, p.Tyr1056= (NM_015133.5).
Identifiers: ClinVar variation 3257267 (VCV003257267.17).